The following is an entry in ClinVar:

ClinVar aggregate classification (germline): Benign/Likely benign. Review status: criteria provided, multiple submitters, no conflicts (2 of 4 stars). 12 submissions from 11 submitters: Benign (7); Likely benign (2). 3 of the submissions do not count toward it. Last evaluated 2025-09-20.

Conditions:
Hereditary cancer-predisposing syndrome. Also called: Neoplastic Syndromes, Hereditary; Hereditary Cancer Syndrome; Tumor predisposition; Hereditary neoplastic syndrome. Identifiers: Orphanet 140162, MedGen C0027672, MeSH D009386, MONDO:0015356.
Familial cancer of breast. Also called: Hereditary breast cancer; hereditary breast carcinoma; BREAST CANCER, FAMILIAL. Identifiers: Orphanet 227535, MedGen C0346153, MONDO:0016419, OMIM 114480. Disease mechanism: loss of function.
Malignant tumor of breast. Also called: Malignant breast neoplasm; Cancer breast. Identifiers: MedGen C0006142, MONDO:0007254. Disease mechanism: loss of function.

Submissions (12):

Labcorp Genetics (formerly Invitae), Labcorp
Classification: Benign for Familial cancer of breast. Last evaluated: 2025-09-20. Review status: criteria provided, single submitter. Criteria: Invitae Variant Classification Sherloc (09022015). Collection method: clinical testing. Allele origin: germline.

GeneKor MSA
Classification: Benign for Hereditary cancer-predisposing syndrome. Last evaluated: 2025-07-10. Review status: criteria provided, single submitter. Criteria: ACMG Guidelines, 2015. Collection method: clinical testing. Allele origin: germline.

Center for Genomic Medicine, Rigshospitalet, Copenhagen University Hospital
Classification: Benign. Last evaluated: 2025-03-04. Review status: criteria provided, single submitter. Criteria: ACMG Guidelines, 2015. Collection method: clinical testing. Allele origin: germline.

Blueprint Genetics
Classification: Likely benign. Last evaluated: 2024-11-26. Review status: criteria provided, single submitter. Criteria: ACMG Guidelines, 2015. Collection method: clinical testing. Allele origin: germline.

Myriad Genetics, Inc.
Classification: Likely benign for Familial cancer of breast. Last evaluated: 2024-07-19. Review status: criteria provided, single submitter. Criteria: Myriad Autosomal Dominant, Autosomal Recessive and X-Linked Classification Criteria (2023). Collection method: clinical testing. Allele origin: unknown.
Comment: This variant is considered likely benign. This variant is intronic and is not expected to impact mRNA splicing.

Department of Pathology and Laboratory Medicine, Sinai Health System
Classification: Benign for Familial cancer of breast. Last evaluated: 2017-07-11. Review status: criteria provided, single submitter. Criteria: ACMG Guidelines, 2015. Collection method: clinical testing. Allele origin: germline. Affected: yes.

Color Diagnostics, LLC DBA Color Health
Classification: Benign for Hereditary cancer-predisposing syndrome. Last evaluated: 2015-04-07. Review status: criteria provided, single submitter. Criteria: ACMG Guidelines, 2015. Collection method: clinical testing. Allele origin: germline.

GeneDx
Classification: Benign for Neoplastic Syndromes, Hereditary. Last evaluated: 2014-01-31. Review status: criteria provided, single submitter. Criteria: GeneDx Variant Classification (06012015). Collection method: clinical testing. Allele origin: germline. Affected: yes.
Comment: The variant is found in BR-OV-HEREDIC panel(s).

Ambry Genetics
Classification: Benign for Hereditary cancer-predisposing syndrome. Last evaluated: 2013-10-11. Review status: criteria provided, single submitter. Criteria: Ambry Autosomal Dominant and X-Linked criteria (10/2015). Collection method: clinical testing. Allele origin: germline. Observed: 1 variant allele.
Comment: Internal frequency is too high to be a pathogenic mutation based on disease/syndrome prevalence and penetrance

Department of Pathology and Laboratory Medicine, Sinai Health System
Classification: Benign for Malignant tumor of breast. Review status: no assertion criteria provided. Collection method: clinical testing. Allele origin: unknown. Affected: yes. Observed: 5 variant alleles. Study: The Canadian Open Genetics Repository (COGR). Not counted in ClinVar's aggregate classification.
Comment: The BARD1 c.216-14delT variant was not identified in the literature nor was it identified in the Cosmic, MutDB, Zhejiang Colon Cancer Database, NHLBI Exome Sequencing Project databases. The variant was identified in dbSNP (ID: rs56130510) as â€šÃ„ÃºWith Likely benign alleleâ€šÃ„Ã¹, ClinVar (classified benign by Ambry Genetics and GeneDx; and likely benign by Illumina), Clinvitae (2x), and in the 1000 Genomes Project at a frequency of 5%, as well as in HAPMAP-SAS in 488 of 978 chromosomes (frequency: 0.5)/-AMR in 334 of 694 chromosomes (frequency: 0.5)/-EUR in 442 of 1006 chromosomes (frequency: 0.4), and the Exome Aggregation Consortium (August 8th 2016) control database in 1 of 976 chromosomes (frequency 0.001). The variant occurs outside of the splicing consensus sequence and in silico or computational prediction software programs (SpliceSiteFinder, MaxEntScan, NNSPLICE, GeneSplicer, HumanSpliceFinder) do not predict a difference in splicing. In summary, based on the above information this variant meets our laboratory's criteria to be classified as benign.

Genome Diagnostics Laboratory, Amsterdam University Medical Center
Classification: Benign. Review status: no assertion criteria provided. Collection method: clinical testing. Allele origin: germline. Affected: yes. Study: VKGL Data-share Consensus. Not counted in ClinVar's aggregate classification.

Laboratory of Diagnostic Genome Analysis, Leiden University Medical Center (LUMC)
Classification: Benign. Review status: no assertion criteria provided. Collection method: clinical testing. Allele origin: germline. Affected: yes. Study: VKGL Data-share Consensus. Not counted in ClinVar's aggregate classification.

NM_000465.4(BARD1):c.216-14del

Gene: BARD1 (BRCA1 associated RING domain 1; minus strand). Cytogenetic location: 2q35.
Variant type: Deletion.
Coding change: c.216-14del on transcript NM_000465.4 (MANE Select); 14 bases into the intron before coding-DNA position 216, one base deleted (T; older notation c.216-14delT).
Molecular consequence: intron variant.
Genome position (GRCh38, 1-based): chr2:214,792,459, A deleted on the plus strand (T on the coding strand, the reverse complement: BARD1 is on the minus strand); the first of 16 consecutive A bases (chr2:214,792,459-214,792,474); deleting any one gives the same sequence. VCF-style (leftmost placement, unchanged base first): chr2-214792458-TA-T. GRCh37 (hg19) VCF-style: chr2-215657182-TA-T.
Other names: c.216-14del (LRG_297t1, NM_001282549.2); c.216-14delT (NM_000465.2, NM_000465.3, NM_000465.4); c.158+16953del (NM_001282548.2); c.159-14del (NM_001282543.2); c.215+4602del (NM_001282545.2).
Identifiers: ClinVar variation 142007 (VCV000142007.19), dbSNP rs56130510, ClinGen allele CA294234.